The following is an entry in ClinVar:

NM_022336.4(EDAR):c.1258C>T (p.Arg420Trp)

Genes: EDAR (ectodysplasin A receptor; minus strand), RANBP2 (RAN binding protein 2; plus strand). Cytogenetic location: 2q13.
Variant type: single nucleotide variant.
Coding change: c.1258C>T on transcript NM_022336.4 (MANE Select); coding-DNA position 1258, C replaced by T.
Protein change: p.Arg420Trp; replaces arginine 420 with tryptophan.
Molecular consequence: missense variant.
Genome position (GRCh38, 1-based): chr2:108,896,996, G>A on the plus strand (C>T on the coding strand, the complement: EDAR is on the minus strand). VCF-style: chr2-108896996-G-A. GRCh37 (hg19) VCF-style: chr2-109513452-G-A.
Other names: short protein forms R420W.
Identifiers: ClinVar variation 3758360 (VCV003758360.2).

ClinVar aggregate classification (germline): Likely pathogenic (1 of 4 stars; one submission).

Conditions:
Ectodermal dysplasia 10A, hypohidrotic/hair/nail type, autosomal dominant (ECTD10A). Also called: Ectodermal Dysplasia 3, Anhidrotic. Identifiers: Orphanet 1810, Orphanet 238468, MedGen C3888065, MONDO:0007509, OMIM 129490.
Autosomal recessive hypohidrotic ectodermal dysplasia syndrome. Also called: Autosomal recessive hypohidrotic ectodermal dysplasia. Identifiers: Orphanet 248, MedGen C0406702, MONDO:0016619.

gnomAD v4.1: 1 of 1,613,668 alleles (0.000062%); highest among the groups gnomAD compares: Non-Finnish European, 0.000085%; no homozygotes.

Submission:

Labcorp Genetics (formerly Invitae), Labcorp
Classification: Likely pathogenic for Ectodermal dysplasia 10A, hypohidrotic/hair/nail type, autosomal dominant; Autosomal recessive hypohidrotic ectodermal dysplasia syndrome. Last evaluated: 2025-07-08. Review status: criteria provided, single submitter. Criteria: Invitae Variant Classification Sherloc (09022015). Collection method: clinical testing. Allele origin: germline.
Comment: This sequence change replaces arginine, which is basic and polar, with tryptophan, which is neutral and slightly polar, at codon 420 of the EDAR protein (p.Arg420Trp). This variant is not present in population databases (gnomAD no frequency). This missense change has been observed in individuals with ectodermal dysplasia and/or tooth agenesis (PMID: 29364747, 30623979; internal data). ClinVar contains an entry for this variant (Variation ID: 3758360). Invitae Evidence Modeling of protein sequence and biophysical properties (such as structural, functional, and spatial information, amino acid conservation, physicochemical variation, residue mobility, and thermodynamic stability) indicates that this missense variant is expected to disrupt EDAR protein function with a positive predictive value of 80%. Experimental studies have shown that this missense change affects EDAR function (PMID: 30623979). This variant disrupts the p.Arg420 amino acid residue in EDAR. Other variant(s) that disrupt this residue have been determined to be pathogenic (PMID: 11035039, 15013427, 16435307, 20979233, 23401279, 27657131). This suggests that this residue is clinically significant, and that variants that disrupt this residue are likely to be disease-causing. In summary, the currently available evidence indicates that the variant is pathogenic, but additional data are needed to prove that conclusively. Therefore, this variant has been classified as Likely Pathogenic.

Literature cited by the submitters: PubMed 29364747; PubMed 30623979; PubMed 11035039; PubMed 15013427; PubMed 16435307; PubMed 20979233; PubMed 23401279; PubMed 27657131.